The following is an entry in ClinVar:

ClinVar aggregate classification (germline): Uncertain significance. Review status: criteria provided, multiple submitters, no conflicts (2 of 4 stars). 3 submissions from 3 submitters: Uncertain significance (3). Last evaluated 2022-08-03.

Allele frequency attached by ClinVar (database versions not stated): ESP Exome Variant Server 0.00008; TOPMed 0.00009; ExAC 0.00010; gnomAD 0.00011 and 0.00012; 1000 Genomes Project 30x 0.00016; 1000 Genomes Project 0.00020.
gnomAD v4.1: 188 of 1,609,908 alleles (0.012%); highest among the groups gnomAD compares: African/African-American, 0.017%; no homozygotes.

Submissions (3):

Labcorp Genetics (formerly Invitae), Labcorp
Classification: Uncertain significance. Last evaluated: 2022-08-03. Review status: criteria provided, single submitter. Criteria: Invitae Variant Classification Sherloc (09022015). Collection method: clinical testing. Allele origin: germline.
Comment: This sequence change replaces glycine, which is neutral and non-polar, with arginine, which is basic and polar, at codon 784 of the SBF1 protein (p.Gly784Arg). This variant is present in population databases (rs368432657, gnomAD 0.02%). This variant has not been reported in the literature in individuals affected with SBF1-related conditions. ClinVar contains an entry for this variant (Variation ID: 1497779). Algorithms developed to predict the effect of missense changes on protein structure and function are either unavailable or do not agree on the potential impact of this missense change (SIFT: "Deleterious"; PolyPhen-2: "Probably Damaging"; Align-GVGD: "Class C0"). In summary, the available evidence is currently insufficient to determine the role of this variant in disease. Therefore, it has been classified as a Variant of Uncertain Significance.

Mayo Clinic Laboratories, Mayo Clinic
Classification: Uncertain significance. Last evaluated: 2021-08-05. Review status: criteria provided, single submitter. Criteria: ACMG Guidelines, 2015. Collection method: clinical testing. Allele origin: germline.

Ambry Genetics
Classification: Uncertain significance. Last evaluated: 2021-07-13. Review status: criteria provided, single submitter. Criteria: Ambry Variant Classification Scheme 2023. Collection method: clinical testing. Allele origin: germline.

NM_002972.4(SBF1):c.2350G>A (p.Gly784Arg)

Gene: SBF1 (SET binding factor 1; minus strand). Cytogenetic location: 22q13.33.
Variant type: single nucleotide variant.
Coding change: c.2350G>A on transcript NM_002972.4 (MANE Select); coding-DNA position 2350, G replaced by A.
Protein change: p.Gly784Arg; replaces glycine 784 with arginine.
Molecular consequence: missense variant.
Genome position (GRCh38, 1-based): chr22:50,462,251, C>T on the plus strand (G>A on the coding strand, the complement: SBF1 is on the minus strand). VCF-style: chr22-50462251-C-T. GRCh37 (hg19) VCF-style: chr22-50900680-C-T.
Other names: p.Gly784Arg; c.2353G>A, p.Gly785Arg (NM_001365819.1); c.2350G>A (NM_002972.2); short protein forms G784R, G785R.
Identifiers: ClinVar variation 1497779 (VCV001497779.10), dbSNP rs368432657, ClinGen allele CA10317262.
Genomic context (GRCh38, chr22:50,462,251, plus strand): 5'-AGTCCCTGCCTCACCTGTTGGTGACCAGGCTGTTGCTGGCGCTCTCCAGGTCGCCCAGCC[C>T]GGCACGCTCCCGAAGTAGGCGGCTCTTGCTGCTGTCCAGGGGCAGGAGGAGGTAGCTCAT-3'
Protein context (NP_002963.2, residues 774-794): SKSRLLRERA[Gly784Arg]LGDLESASNS